The following is an entry in ClinVar:

NM_002491.3(NDUFB3):c.136G>A (p.Gly46Ser)

Gene: NDUFB3 (NADH:ubiquinone oxidoreductase subunit B3; plus strand). Cytogenetic location: 2q33.1.
Variant type: single nucleotide variant.
Coding change: c.136G>A on transcript NM_002491.3 (MANE Select); coding-DNA position 136, G replaced by A.
Protein change: p.Gly46Ser; replaces glycine 46 with serine.
Molecular consequence: missense variant.
Genome position (GRCh38, 1-based): chr2:201,079,018, G>A. VCF-style: chr2-201079018-G-A. GRCh37 (hg19) VCF-style: chr2-201943741-G-A.
Other names: c.136G>A, p.Gly46Ser (NM_001257102.2); c.136G>A (NM_002491.2); short protein forms G46S.
Identifiers: ClinVar variation 804353 (VCV000804353.6), dbSNP rs1575544444, ClinGen allele CA350268871.
Genomic context (GRCh38, chr2:201,079,018, plus strand): 5'-GGGACACCATTAGAAACTATCCAGAAGAAGCTGGCTGCAAAAGGGCTAAGGGATCCATGG[G>A]GCCGGTAAGATGAATTAAGTAATTTAGATAGAATGTATCCTAGAGAATCAAGTGTCTATG-3'
Protein context (NP_002482.1, residues 36-56): LAAKGLRDPW[Gly46Ser]RNEAWRYMGG

ClinVar aggregate classification (germline): Uncertain significance. Review status: criteria provided, multiple submitters, no conflicts (2 of 4 stars). 2 submissions from 2 submitters: Uncertain significance (2). Last evaluated 2024-09-30.

Conditions:
Developmental cataract. Also called: Bilateral cataracts; Congenital cataract; Congenital cataracts. Identifiers: MedGen C0009691, HP:0000519.
Death in childhood. Identifiers: MedGen C1843392, HP:0003819.
Developmental regression. Also called: C1836830. Identifiers: MedGen C1836830, HP:0002376.
Seizure. Also called: Seizures. Identifiers: MedGen C0036572, HP:0001250.
Inborn genetic diseases. Identifiers: MedGen C0950123, MeSH D030342.

Allele frequency attached by ClinVar (database versions not stated): gnomAD exomes 0.00001.
gnomAD v4.1: 8 of 1,607,220 alleles (0.0005%); highest among the groups gnomAD compares: East Asian, 0.0022%; no homozygotes.

Submissions (2):

Ambry Genetics
Classification: Uncertain significance for Inborn genetic diseases. Last evaluated: 2024-09-30. Review status: criteria provided, single submitter. Criteria: Ambry Variant Classification Scheme 2023. Collection method: clinical testing. Allele origin: germline.

Diagnostics Services (NGS), CSIR - Centre For Cellular And Molecular Biology
Classification: Uncertain significance for Developmental regression; Seizure; Death in childhood; Developmental cataract. Last evaluated: 2019-12-20. Review status: criteria provided, single submitter. Criteria: ACMG Guidelines, 2015. Collection method: clinical testing. Allele origin: germline. Inheritance: Autosomal recessive inheritance. Affected: yes. Observed: 1 homozygote.
Comment: The c.136G>A variant is not present in publicly available databases like 1000 Genomes, Exome Variant Server (EVS), Exome Aggregation Consortium (ExAC), Genome Aggregation Database (gnomAD), dbSNP and our in-house database. The variant was also not reported to OMIM, ClinVar and Human Genome Mutation Database (HGMD) in any other affected individuals. Predictions from different in-silico pathogenicity prediction programs like SIFT, Polyphen, MutationTaster2, CADD etc. are contradictory. No functional studies were conducted. Due to lack of enough evidence for the variant's pathogenicity and also considering the phenotype of the patient the variant has been classified as uncertain significance.